The following is an entry in ClinVar:

ClinVar aggregate classification (germline): Pathogenic (1 of 4 stars; one submission).

Conditions:
Familial adenomatous polyposis 1 (FAP1). Also called: POLYPOSIS, ADENOMATOUS INTESTINAL; FAMILIAL ADENOMATOUS POLYPOSIS 1, ATTENUATED. Identifiers: MedGen C2713442, MONDO:0021056, OMIM 175100. Disease mechanism: loss of function.

Submission:

Labcorp Genetics (formerly Invitae), Labcorp
Classification: Pathogenic for Familial adenomatous polyposis 1. Last evaluated: 2022-06-07. Review status: criteria provided, single submitter. Criteria: Invitae Variant Classification Sherloc (09022015). Collection method: clinical testing. Allele origin: germline.
Comment: This variant disrupts a region of the APC protein in which other variant(s) (p.Tyr2645Lysfs*14) have been determined to be pathogenic (PMID: 1316610, 8381579, 9824584). This suggests that this is a clinically significant region of the protein, and that variants that disrupt it are likely to be disease-causing. This sequence change creates a premature translational stop signal (p.Ser811*) in the APC gene. While this is not anticipated to result in nonsense mediated decay, it is expected to disrupt the last 2033 amino acid(s) of the APC protein. This variant is not present in population databases (gnomAD no frequency). This premature translational stop signal has been observed in individual(s) with APC-related conditions (PMID: 11247896). Algorithms developed to predict the effect of variants on protein structure and function are not available or were not evaluated for this variant. Experimental studies have shown that this premature translational stop signal affects APC function (PMID: 14633595). For these reasons, this variant has been classified as Pathogenic.

Literature cited by the submitters: PubMed 1316610; PubMed 8381579; PubMed 9824584; PubMed 11247896; PubMed 14633595.

NM_000038.6(APC):c.2432C>G (p.Ser811Ter)

Gene: APC (APC regulator of Wnt signaling pathway; plus strand). Cytogenetic location: 5q22.2.
Variant type: single nucleotide variant.
Coding change: c.2432C>G on transcript NM_000038.6 (MANE Select); coding-DNA position 2432, C replaced by G.
Protein change: p.Ser811Ter; replaces serine 811 with a stop codon.
Molecular consequence: nonsense.
Genome position (GRCh38, 1-based): chr5:112,838,026, C>G. VCF-style: chr5-112838026-C-G. GRCh37 (hg19) VCF-style: chr5-112173723-C-G.
Other names: c.2432C>G, p.Ser811Ter (NM_001127510.3, NM_001354895.2, NM_001407450.1); c.2378C>G, p.Ser793Ter (NM_001127511.3); c.2486C>G, p.Ser829Ter (NM_001354896.2, NM_001407447.1, NM_001407448.1 and 1 more transcripts); c.2462C>G, p.Ser821Ter (NM_001354897.2); c.2357C>G, p.Ser786Ter (NM_001354898.2); c.2348C>G, p.Ser783Ter (NM_001354899.2); c.2309C>G, p.Ser770Ter (NM_001354900.2); c.2255C>G, p.Ser752Ter (NM_001354901.2, NM_001407453.1); and 11 more; short protein forms S728*, S752*, S786*, S793*, S804*, S682*, S685*, S770*.
Identifiers: ClinVar variation 2203685 (VCV002203685.4), dbSNP rs2149869230, ClinGen allele CA16026676.